The following is an entry in ClinVar:

NM_005751.5(AKAP9):c.6300C>G (p.Phe2100Leu)

Gene: AKAP9 (A-kinase anchoring protein 9; plus strand). Cytogenetic location: 7q21.2.
Variant type: single nucleotide variant.
Coding change: c.6300C>G on transcript NM_005751.5 (MANE Select); coding-DNA position 6300, C replaced by G.
Protein change: p.Phe2100Leu; replaces phenylalanine 2100 with leucine.
Molecular consequence: missense variant.
Genome position (GRCh38, 1-based): chr7:92,066,516, C>G. VCF-style: chr7-92066516-C-G. GRCh37 (hg19) VCF-style: chr7-91695830-C-G.
Other names: c.945C>G, p.Phe315Leu (NM_001379277.1); c.6300C>G, p.Phe2100Leu (NM_147185.3); short protein forms F2100L, F315L.
Identifiers: ClinVar variation 2118684 (VCV002118684.4), dbSNP rs2535208216, ClinGen allele CA368133373.

ClinVar aggregate classification (germline): Uncertain significance (1 of 4 stars; one submission).

Conditions:
Long QT syndrome (LQTS). Identifiers: MedGen C0023976, MeSH D008133, MONDO:0002442. Disease mechanism: loss of function. Inheritance: Various modes of inheritance.

Submission:

Labcorp Genetics (formerly Invitae), Labcorp
Classification: Uncertain significance for Long QT syndrome. Last evaluated: 2022-03-28. Review status: criteria provided, single submitter. Criteria: Invitae Variant Classification Sherloc (09022015). Collection method: clinical testing. Allele origin: germline.
Comment: In summary, the available evidence is currently insufficient to determine the role of this variant in disease. Therefore, it has been classified as a Variant of Uncertain Significance. Algorithms developed to predict the effect of missense changes on protein structure and function output the following: SIFT: "Tolerated"; PolyPhen-2: "Benign"; Align-GVGD: "Class C0". The leucine amino acid residue is found in multiple mammalian species, which suggests that this missense change does not adversely affect protein function. This variant has not been reported in the literature in individuals affected with AKAP9-related conditions. This variant is not present in population databases (gnomAD no frequency). This sequence change replaces phenylalanine, which is neutral and non-polar, with leucine, which is neutral and non-polar, at codon 2100 of the AKAP9 protein (p.Phe2100Leu).